The following is an entry in ClinVar:

ClinVar aggregate classification (germline): Pathogenic/Likely pathogenic. Review status: criteria provided, multiple submitters, no conflicts (2 of 4 stars). 3 submissions from 3 submitters: Pathogenic (2); Likely pathogenic (1). Last evaluated 2024-08-19.

Conditions:
Autosomal recessive nonsyndromic hearing loss 1A (DFNB1A). Also called: Connexin 26 deafness; Deafness nonsyndromic, Connexin 26 linked; Nonsyndromic Hearing Loss and Deafness, DFNB1; GJB6-Related DFNB 1 Nonsyndromic Hearing Loss and Deafness; Deafness, autosomal recessive 1A; GJB2-Related Autosomal Recessive Nonsyndromic Hearing Loss. Identifiers: Orphanet 90636, MedGen C2673759, MONDO:0009076, OMIM 220290.

Allele frequency attached by ClinVar (database versions not stated): gnomAD exomes below 0.00001; gnomAD 0.00001; TOPMed 0.00001.
gnomAD v4.1: 8 of 1,613,948 alleles (0.0005%); highest among the groups gnomAD compares: Non-Finnish European, 0.00068%; no homozygotes.

Submissions (3):

Women's Health and Genetics/Laboratory Corporation of America, LabCorp
Classification: Likely pathogenic for Autosomal recessive nonsyndromic hearing loss 1A. Last evaluated: 2024-08-19. Review status: criteria provided, single submitter. Criteria: LabCorp Variant Classification Summary - May 2015. Collection method: clinical testing. Allele origin: germline.
Comment: Variant summary: GJB2 c.40A>G (p.Asn14Asp) results in a conservative amino acid change located in the Connexin, N-terminal domain (IPR013092) of the encoded protein sequence. Four of five in-silico tools predict a damaging effect of the variant on protein function. The variant was absent in 250642 control chromosomes (gnomAD). c.40A>G has been reported in the literature in individuals affected with Autosomal Recessive Non-Syndromic Hearing Loss (e.g. Tang_2006, Haack_2006, Putcha_2006). These data indicate that the variant is likely to be associated with disease. At least one publication reports experimental evidence evaluating an impact on protein function, finding that the variant results in substantially reduced channel current and cell surface expression (Haack_2006). The following publications have been ascertained in the context of this evaluation (PMID: 17041943, 17666888, 19230829, 20234132, 17041897). ClinVar contains an entry for this variant (Variation ID: 935860). Based on the evidence outlined above, the variant was classified as likely pathogenic.

GeneDx
Classification: Pathogenic. Last evaluated: 2024-03-13. Review status: criteria provided, single submitter. Criteria: GeneDx Variant Classification Process June 2021. Collection method: clinical testing. Allele origin: germline. Affected: yes.
Comment: Also reported in patients with hearing loss without other variants in the GJB2 gene (PMID: 17666888, 17041943); Published functional studies demonstrate a damaging effect on protein expression (PMID: 17041897); In silico analysis supports that this missense variant has a deleterious effect on protein structure/function; Not observed at significant frequency in large population cohorts (gnomAD); This variant is associated with the following publications: (PMID: 25388846, 36048236, 17041943, 20234132, 17666888, 17041897, 18950394, 15245427)

Labcorp Genetics (formerly Invitae), Labcorp
Classification: Pathogenic. Last evaluated: 2023-01-31. Review status: criteria provided, single submitter. Criteria: Invitae Variant Classification Sherloc (09022015). Collection method: clinical testing. Allele origin: germline.
Comment: This sequence change replaces asparagine, which is neutral and polar, with aspartic acid, which is acidic and polar, at codon 14 of the GJB2 protein (p.Asn14Asp). This variant is not present in population databases (gnomAD no frequency). This missense change has been observed in individual(s) with non-syndromic deafness (PMID: 17041897). In at least one individual the data is consistent with being in trans (on the opposite chromosome) from a pathogenic variant. It has also been observed to segregate with disease in related individuals. ClinVar contains an entry for this variant (Variation ID: 935860). Advanced modeling of protein sequence and biophysical properties (such as structural, functional, and spatial information, amino acid conservation, physicochemical variation, residue mobility, and thermodynamic stability) performed at Invitae indicates that this missense variant is expected to disrupt GJB2 protein function. Experimental studies have shown that this missense change affects GJB2 function (PMID: 17041897). For these reasons, this variant has been classified as Pathogenic.

Literature cited by the submitters: PubMed 17041943 (cited by Women's Health and Genetics/Laboratory Corporation of America, LabCorp); PubMed 17666888 (cited by Women's Health and Genetics/Laboratory Corporation of America, LabCorp); PubMed 19230829 (cited by Women's Health and Genetics/Laboratory Corporation of America, LabCorp); PubMed 20234132 (cited by Women's Health and Genetics/Laboratory Corporation of America, LabCorp); PubMed 17041897 (cited by Women's Health and Genetics/Laboratory Corporation of America, LabCorp and Labcorp Genetics (formerly Invitae), Labcorp).

NM_004004.6(GJB2):c.40A>G (p.Asn14Asp)

Gene: GJB2 (gap junction protein beta 2; minus strand). Cytogenetic location: 13q12.11.
Variant type: single nucleotide variant.
Coding change: c.40A>G on transcript NM_004004.6 (MANE Select); coding-DNA position 40, A replaced by G.
Protein change: p.Asn14Asp; replaces asparagine 14 with aspartic acid.
Molecular consequence: missense variant.
Genome position (GRCh38, 1-based): chr13:20,189,542, T>C on the plus strand (A>G on the coding strand, the complement: GJB2 is on the minus strand). VCF-style: chr13-20189542-T-C. GRCh37 (hg19) VCF-style: chr13-20763681-T-C.
Other names: short protein forms N14D.
Identifiers: ClinVar variation 935860 (VCV000935860.11), dbSNP rs1476034902, ClinGen allele CA387462206.